The following is an entry in ClinVar:

NC_000022.11:g.40345709C>A

Gene: ADSL (adenylosuccinate lyase; plus strand). Cytogenetic location: 22q13.1.
Variant type: single nucleotide variant.
Genome position: GRCh38 VCF-style: chr22-40345709-C-A. GRCh37 (hg19) VCF-style: chr22-40741713-C-A.
Identifiers: ClinVar variation 1447400 (VCV001447400.3), dbSNP rs1170425980, ClinGen allele CA639407936.

ClinVar aggregate classification (germline): Uncertain significance (1 of 4 stars; one submission).

Conditions:
Adenylosuccinate lyase deficiency (ADSLD). Also called: ADSL DEFICIENCY. Identifiers: Orphanet 46, MedGen C0268126, MONDO:0007068, OMIM 103050.

Allele frequency attached by ClinVar (database versions not stated): TOPMed below 0.00001; gnomAD 0.00001.

Submission:

Labcorp Genetics (formerly Invitae), Labcorp
Classification: Uncertain significance for Adenylosuccinate lyase deficiency. Last evaluated: 2022-08-21. Review status: criteria provided, single submitter. Criteria: Invitae Variant Classification Sherloc (09022015). Collection method: clinical testing. Allele origin: germline.
Comment: This variant occurs in a non-coding region of the ADSL gene. It does not change the encoded amino acid sequence of the ADSL protein. This variant is present in population databases (no rsID available, gnomAD 0.007%). This variant has not been reported in the literature in individuals affected with ADSL-related conditions. Experimental studies and prediction algorithms are not available or were not evaluated, and the functional significance of this variant is currently unknown. In summary, the available evidence is currently insufficient to determine the role of this variant in disease. Therefore, it has been classified as a Variant of Uncertain Significance.